The following is an entry in ClinVar:

ClinVar aggregate classification (germline): Uncertain significance (1 of 4 stars; one submission).

Conditions:
Hereditary breast ovarian cancer syndrome. Also called: Hereditary breast and ovarian cancer syndrome; Hereditary breast and/or ovarian cancer syndrome; BRCA1- and BRCA2-Associated Hereditary Breast and Ovarian Cancer; Hereditary breast and ovarian cancer syndrome (HBOC); Breast and ovarian cancer; Hereditary breast and ovarian cancer. Identifiers: Orphanet 145, MedGen C0677776, MeSH D061325, MONDO:0003582. Disease mechanism: loss of function.

Submission:

Labcorp Genetics (formerly Invitae), Labcorp
Classification: Uncertain significance for Hereditary breast ovarian cancer syndrome. Last evaluated: 2021-03-27. Review status: criteria provided, single submitter. Criteria: Invitae Variant Classification Sherloc (09022015). Collection method: clinical testing. Allele origin: germline.
Comment: This sequence change replaces alanine with serine at codon 3270 of the BRCA2 protein (p.Ala3270Ser). The alanine residue is highly conserved and there is a moderate physicochemical difference between alanine and serine. This variant is not present in population databases (ExAC no frequency). This variant has not been reported in the literature in individuals with BRCA2-related conditions. Advanced modeling of protein sequence and biophysical properties (such as structural, functional, and spatial information, amino acid conservation, physicochemical variation, residue mobility, and thermodynamic stability) performed at Invitae indicates that this missense variant is not expected to disrupt BRCA2 protein function. In summary, the available evidence is currently insufficient to determine the role of this variant in disease. Therefore, it has been classified as a Variant of Uncertain Significance.

NM_000059.4(BRCA2):c.9808G>T (p.Ala3270Ser)

Gene: BRCA2 (BRCA2 DNA repair associated; plus strand). Cytogenetic location: 13q13.1.
Variant type: single nucleotide variant.
Coding change: c.9808G>T on transcript NM_000059.4 (MANE Select); coding-DNA position 9808, G replaced by T.
Protein change: p.Ala3270Ser; replaces alanine 3270 with serine.
Molecular consequence: missense variant.
Genome position (GRCh38, 1-based): chr13:32,398,321, G>T. VCF-style: chr13-32398321-G-T. GRCh37 (hg19) VCF-style: chr13-32972458-G-T.
Other names: short protein forms A3270S.
Identifiers: ClinVar variation 1520667 (VCV001520667.8), dbSNP rs2137663978, ClinGen allele CA387766127.
Genomic context (GRCh38, chr13:32,398,321, plus strand): 5'-TCAAAGTCTTGTAAAGGGGAGAAAGAGATTGATGACCAAAAGAACTGCAAAAAGAGAAGA[G>T]CCTTGGATTTCTTGAGTAGACTGCCTTTACCTCCACCTGTTAGTCCCATTTGTACATTTG-3'
Protein context (NP_000050.3, residues 3260-3280): DDQKNCKKRR[Ala3270Ser]LDFLSRLPLP